The following is an entry in ClinVar:

NM_000090.4(COL3A1):c.3277G>A (p.Asp1093Asn)

Gene: COL3A1 (collagen type III alpha 1 chain; plus strand). Cytogenetic location: 2q32.2.
Variant type: single nucleotide variant.
Coding change: c.3277G>A on transcript NM_000090.4 (MANE Select); coding-DNA position 3277, G replaced by A.
Protein change: p.Asp1093Asn; replaces aspartic acid 1093 with asparagine.
Molecular consequence: missense variant.
Genome position (GRCh38, 1-based): chr2:189,007,521, G>A. VCF-style: chr2-189007521-G-A. GRCh37 (hg19) VCF-style: chr2-189872247-G-A.
Other names: short protein forms D1093N.
Identifiers: ClinVar variation 1463302 (VCV001463302.8), dbSNP rs2153503891, ClinGen allele CA349845608.

ClinVar aggregate classification (germline): Uncertain significance (1 of 4 stars; one submission).

Conditions:
Ehlers-Danlos syndrome, type 4 (EDSVASC). Also called: Ehlers-Danlos syndrome vascular type; Ehlers Danlos syndrome, ecchymotic type; Ehlers Danlos syndrome, arterial type; Ehlers Danlos syndrome, Sack-Barabas type; Ehlers-Danlos Syndrome Type IV. Identifiers: Orphanet 286, MedGen C0268338, MONDO:0017314, OMIM 130050.

gnomAD v4.1: 3 of 1,613,630 alleles (0.00019%); highest among the groups gnomAD compares: Non-Finnish European, 0.00025%; no homozygotes.

Submission:

Labcorp Genetics (formerly Invitae), Labcorp
Classification: Uncertain significance for Ehlers-Danlos syndrome, type 4. Last evaluated: 2021-01-28. Review status: criteria provided, single submitter. Criteria: Invitae Variant Classification Sherloc (09022015). Collection method: clinical testing. Allele origin: germline.
Comment: In summary, the available evidence is currently insufficient to determine the role of this variant in disease. Therefore, it has been classified as a Variant of Uncertain Significance. Advanced modeling of protein sequence and biophysical properties (such as structural, functional, and spatial information, amino acid conservation, physicochemical variation, residue mobility, and thermodynamic stability) performed at Invitae indicates that this missense variant is not expected to disrupt COL3A1 protein function. This variant has not been reported in the literature in individuals with COL3A1-related conditions. This variant is not present in population databases (ExAC no frequency). This sequence change replaces aspartic acid with asparagine at codon 1093 of the COL3A1 protein (p.Asp1093Asn). The aspartic acid residue is moderately conserved and there is a small physicochemical difference between aspartic acid and asparagine.